The following is an entry in ClinVar:

ClinVar aggregate classification (germline): Likely benign. Review status: criteria provided, single submitter (1 of 4 stars). 2 submissions from 2 submitters: Likely benign (1). 1 of the submissions does not count toward it. Last evaluated 2024-05-12.

Conditions:
Frontotemporal dementia and/or amyotrophic lateral sclerosis 1 (FTDALS1). Also called: Frontotemporal dementia with motor neuron disease 1; C9orf72 Frontotemporal Dementia and/or Amyotrophic Lateral Sclerosis. Identifiers: Orphanet 275872, MedGen C5779877, MONDO:0007105, OMIM 105550.
Paget disease of bone 2, early-onset (PDB2). Also called: Paget disease of bone 2. Identifiers: MedGen C4085251, MONDO:0011183, OMIM 602080.
SQSTM1-related disorder. Also called: SQSTM1-Related Disorders.

Allele frequency attached by ClinVar (database versions not stated): gnomAD 0.00001; gnomAD exomes 0.00002.
gnomAD v4.1: 32 of 1,614,070 alleles (0.002%); highest among the groups gnomAD compares: Middle Eastern, 0.016%; no homozygotes.

Submissions (2):

Labcorp Genetics (formerly Invitae), Labcorp
Classification: Likely benign for Paget disease of bone 2, early-onset; Frontotemporal dementia and/or amyotrophic lateral sclerosis 1. Last evaluated: 2024-05-12. Review status: criteria provided, single submitter. Criteria: Invitae Variant Classification Sherloc (09022015). Collection method: clinical testing. Allele origin: germline.

PreventionGenetics, part of Exact Sciences
Classification: Likely benign for SQSTM1-related condition. Last evaluated: 2024-05-21. Review status: no assertion criteria provided. Collection method: clinical testing. Allele origin: germline. Not counted in ClinVar's aggregate classification.
Comment: This variant is classified as likely benign based on ACMG/AMP sequence variant interpretation guidelines (Richards et al. 2015 PMID: 25741868, with internal and published modifications).

NM_003900.5(SQSTM1):c.1032A>G (p.Lys344=)

Gene: SQSTM1 (sequestosome 1; plus strand). Cytogenetic location: 5q35.3.
Variant type: single nucleotide variant.
Coding change: c.1032A>G on transcript NM_003900.5 (MANE Select); coding-DNA position 1032, A replaced by G.
Protein change: p.Lys344=; no amino-acid change (lysine 344 retained).
Molecular consequence: synonymous variant.
Genome position (GRCh38, 1-based): chr5:179,833,649, A>G. VCF-style: chr5-179833649-A-G. GRCh37 (hg19) VCF-style: chr5-179260649-A-G.
Other names: c.780A>G, p.Lys260= (NM_001142298.2, NM_001142299.2).
Identifiers: ClinVar variation 969428 (VCV000969428.8), dbSNP rs982817243, ClinGen allele CA133109702.